The following is an entry in ClinVar:

NC_000018.9:g.(?_21166241)_(21166317_?)del

Gene: NPC1 (NPC intracellular cholesterol transporter 1; minus strand). Cytogenetic location: 18q11.2.
Variant type: Deletion.
Identifiers: ClinVar variation 1459879 (VCV001459879.6).

ClinVar aggregate classification (germline): Pathogenic (1 of 4 stars; one submission).

Conditions:
Niemann-Pick disease, type C1. Also called: NIEMANN-PICK DISEASE, VARIANT TYPE C1; NEUROVISCERAL STORAGE DISEASE WITH VERTICAL SUPRANUCLEAR OPHTHALMOPLEGIA; NIEMANN-PICK DISEASE WITH CHOLESTEROL ESTERIFICATION BLOCK; NIEMANN-PICK DISEASE WITHOUT SPHINGOMYELINASE DEFICIENCY; NIEMANN-PICK DISEASE, CHRONIC NEURONOPATHIC FORM. Identifiers: Orphanet 646, MedGen C3179455, MONDO:0009757, OMIM 257220.

Submission:

Labcorp Genetics (formerly Invitae), Labcorp
Classification: Pathogenic for Niemann-Pick disease, type C1. Last evaluated: 2021-02-15. Review status: criteria provided, single submitter. Criteria: Invitae Variant Classification Sherloc (09022015). Collection method: clinical testing. Allele origin: germline.
Comment: For these reasons, this variant has been classified as Pathogenic. A similar copy number variant has been observed in individual(s) with Niemann-Pick Type C (PMID: 32060698). This variant is a gross deletion of the genomic region encompassing exon(s) 1 of the NPC1 gene, which includes the initiator codon. The 5' end of this event is unknown as it extends beyond the assayed region for this gene and therefore may encompass additional genes. The 3' boundary is likely confined to intron 1 of the NPC1 gene. It is expected to result in an absent or disrupted protein product. Loss-of-function variants in NPC1 are known to be pathogenic (PMID: 9211850).

Literature cited by the submitters: PubMed 32060698; PubMed 9211850.